The following is an entry in ClinVar:

NM_014727.3(KMT2B):c.1126_1128del (p.Lys376del)

Gene: KMT2B (lysine methyltransferase 2B; plus strand). Cytogenetic location: 19q13.12.
Variant type: Deletion.
Coding change: c.1126_1128del on transcript NM_014727.3 (MANE Select); coding-DNA positions 1126 to 1128, 3 bases deleted (AAG; older notation c.1126_1128delAAG).
Protein change: p.Lys376del; deletes lysine 376.
Molecular consequence: inframe deletion.
Genome position (GRCh38, 1-based): chr19:35,720,473-35,720,475, AAG deleted. VCF-style (leftmost placement, unchanged base first): chr19-35720472-CAAG-C. GRCh37 (hg19) VCF-style: chr19-36211374-CAAG-C.
Other names: c.1126_1128delAAG (NM_014727.2, NM_014727.3); short protein forms K376del.
Identifiers: ClinVar variation 1228147 (VCV001228147.15), dbSNP rs199534880, ClinGen allele CA9384185.

ClinVar aggregate classification (germline): Benign/Likely benign. Review status: criteria provided, multiple submitters, no conflicts (2 of 4 stars). 5 submissions from 5 submitters: Benign (3); Likely benign (1). 1 of the submissions does not count toward it. Last evaluated 2026-02-03.

Conditions:
KMT2B-related disorder. Also called: KMT2B-related condition; KMT2B-related disorders. Identifiers: MedGen CN381338.
Dystonia 28, childhood-onset (DYT28). Also called: KMT2B-Related Dystonia (DYT-KMT2B). Identifiers: Orphanet 589618, MedGen C4310633, MONDO:0015004, OMIM 617284.

Allele frequency attached by ClinVar (database versions not stated): 1000 Genomes Project 30x 0.01374; TOPMed 0.02349; ESP Exome Variant Server 0.02672; gnomAD 0.02678 and 0.02723; gnomAD exomes 0.02864 and 0.03547; ExAC 0.02881.

Submissions (5):

Labcorp Genetics (formerly Invitae), Labcorp
Classification: Benign. Last evaluated: 2026-02-03. Review status: criteria provided, single submitter. Criteria: Invitae Variant Classification Sherloc (09022015). Collection method: clinical testing. Allele origin: germline.

Blueprint Genetics
Classification: Likely benign. Last evaluated: 2024-11-26. Review status: criteria provided, single submitter. Criteria: ACMG Guidelines, 2015. Collection method: clinical testing. Allele origin: germline.

Molecular Genetics, Royal Melbourne Hospital
Classification: Benign for Dystonia 28, childhood-onset. Last evaluated: 2023-05-04. Review status: criteria provided, single submitter. Criteria: ACMG Guidelines, 2015. Collection method: clinical testing. Allele origin: germline. Affected: yes.
Comment: European Non-Finnish population allele frequency is 5.428% (rs199534880, 1,114/20,522 alleles, 30 homozygotes in gnomAD v2.1). Based on the classification scheme RMH Modified ACMG/AMP Guidelines v1.2.1, this variant is classified as BENIGN. Following criteria are met: BA1

GeneDx
Classification: Benign. Last evaluated: 2018-09-11. Review status: criteria provided, single submitter. Criteria: GeneDx Variant Classification Process June 2021. Collection method: clinical testing. Allele origin: germline. Affected: yes.

PreventionGenetics, part of Exact Sciences
Classification: Benign for KMT2B-related condition. Last evaluated: 2020-01-16. Review status: no assertion criteria provided. Collection method: clinical testing. Allele origin: germline. Not counted in ClinVar's aggregate classification.
Comment: This variant is classified as benign based on ACMG/AMP sequence variant interpretation guidelines (Richards et al. 2015 PMID: 25741868, with internal and published modifications).